The following is an entry in ClinVar:

ClinVar aggregate classification (germline): Uncertain significance (1 of 4 stars; one submission).

Submission:

GeneDx
Classification: Uncertain significance. Last evaluated: 2019-12-07. Review status: criteria provided, single submitter. Criteria: GeneDx Variant Classification Process June 2021. Collection method: clinical testing. Allele origin: germline. Affected: yes.
Comment: Not observed in large population cohorts (Lek et al., 2016); In silico analysis, which includes protein predictors and evolutionary conservation, supports a deleterious effect; Variants in candidate genes are classified as variants of uncertain significance in accordance with ACMG guidelines (Richards et al., 2015); This variant is associated with the following publications: (PMID: 33980485)

NM_003601.4(SMARCA5):c.2207G>A (p.Arg736Gln)

Gene: SMARCA5 (SWI/SNF related, matrix associated, actin dependent regulator of chromatin, subfamily a, member 5; plus strand). Cytogenetic location: 4q31.21.
Variant type: single nucleotide variant.
Coding change: c.2207G>A on transcript NM_003601.4 (MANE Select); coding-DNA position 2207, G replaced by A.
Protein change: p.Arg736Gln; replaces arginine 736 with glutamine.
Molecular consequence: missense variant.
Genome position (GRCh38, 1-based): chr4:143,544,771, G>A. VCF-style: chr4-143544771-G-A. GRCh37 (hg19) VCF-style: chr4-144465924-G-A.
Other names: short protein forms R736Q.
Identifiers: ClinVar variation 1310740 (VCV001310740.2), dbSNP rs2149824232, ClinGen allele CA358339690.
Genomic context (GRCh38, chr4:143,544,771, plus strand): 5'-GATTTGAGTTGTTTCCCATGTGCTAGATTGCATTCACAGAGTGGATTGAACCACCTAAAC[G>A]AGAAAGAAAAGCCAACTATGCCGTTGATGCATATTTCAGGGAAGCTCTTCGTGTTAGTGA-3'
Protein context (NP_003592.3, residues 726-746): AFTEWIEPPK[Arg736Gln]ERKANYAVDA